The following is an entry in ClinVar:

ClinVar aggregate classification (germline): Uncertain significance (1 of 4 stars; one submission).

Conditions:
Hereditary cancer-predisposing syndrome. Also called: Neoplastic Syndromes, Hereditary; Tumor predisposition; Hereditary neoplastic syndrome; Hereditary Cancer Syndrome. Identifiers: Orphanet 140162, MedGen C0027672, MeSH D009386, MONDO:0015356.

Submission:

Ambry Genetics
Classification: Uncertain significance for Hereditary cancer-predisposing syndrome. Last evaluated: 2025-06-14. Review status: criteria provided, single submitter. Criteria: Ambry Variant Classification Scheme 2023. Collection method: clinical testing. Allele origin: germline.
Comment: The p.S261P variant (also known as c.781T>C), located in coding exon 4 of the MSH6 gene, results from a T to C substitution at nucleotide position 781. The serine at codon 261 is replaced by proline, an amino acid with similar properties. This amino acid position is highly conserved in available vertebrate species. In addition, this alteration is predicted to be deleterious by in silico analysis. Since supporting evidence is limited at this time, the clinical significance of this alteration remains unclear.

NM_000179.3(MSH6):c.781T>C (p.Ser261Pro)

Gene: MSH6 (mutS homolog 6; plus strand). Cytogenetic location: 2p16.3.
Variant type: single nucleotide variant.
Coding change: c.781T>C on transcript NM_000179.3 (MANE Select); coding-DNA position 781, T replaced by C.
Protein change: p.Ser261Pro; replaces serine 261 with proline.
Molecular consequence: missense variant. On other transcripts: 5 prime UTR variant (2).
Genome position (GRCh38, 1-based): chr2:47,798,764, T>C. VCF-style: chr2-47798764-T-C. GRCh37 (hg19) VCF-style: chr2-48025903-T-C.
Other names: c.391T>C, p.Ser131Pro (NM_001281492.2); c.-126T>C (NM_001281493.2, NM_001281494.2); short protein forms S131P, S261P.
Identifiers: ClinVar variation 827273 (VCV000827273.6), dbSNP rs1572720339, ClinGen allele CA346740248.
Genomic context (GRCh38, chr2:47,798,764, plus strand): 5'-AGTAGCCGCCAAATAAAAAAACGAAGGGTCATATCAGATTCTGAGAGTGACATTGGTGGC[T>C]CTGATGTGGAATTTAAGCCAGACACTAAGGAGGAAGGAAGCAGTGATGAAATAAGCAGTG-3'
Protein context (NP_000170.1, residues 251-271): ISDSESDIGG[Ser261Pro]DVEFKPDTKE